The following is an entry in ClinVar:

NM_032756.4(HPDL):c.387C>A (p.Ser129Arg)

Gene: HPDL (4-hydroxyphenylpyruvate dioxygenase like; plus strand). Cytogenetic location: 1p34.1.
Variant type: single nucleotide variant.
Coding change: c.387C>A on transcript NM_032756.4 (MANE Select); coding-DNA position 387, C replaced by A.
Protein change: p.Ser129Arg; replaces serine 129 with arginine.
Molecular consequence: missense variant.
Genome position (GRCh38, 1-based): chr1:45,327,535, C>A. VCF-style: chr1-45327535-C-A. GRCh37 (hg19) VCF-style: chr1-45793207-C-A.
Other names: short protein forms S129R.
Identifiers: ClinVar variation 3383521 (VCV003383521.2).

ClinVar aggregate classification (germline): Uncertain significance. Review status: criteria provided, multiple submitters, no conflicts (2 of 4 stars). 2 submissions from 2 submitters: Uncertain significance (2). Last evaluated 2025-03-26.

Conditions:
HPDL-related disorder. Also called: HPDL-related condition.

Submissions (2):

PreventionGenetics, part of Exact Sciences
Classification: Uncertain significance for HPDL-related condition. Last evaluated: 2025-03-26. Review status: criteria provided, single submitter. Criteria: ACMG Guidelines, 2015. Collection method: clinical testing. Allele origin: germline.
Comment: The HPDL c.387C>A variant is predicted to result in the amino acid substitution p.Ser129Arg. To our knowledge, this variant has not been reported in the literature. This variant is reported in 0.0029% of alleles in individuals of Latino descent in gnomAD. At this time, the clinical significance of this variant is uncertain due to the absence of conclusive functional and genetic evidence.

GeneDx
Classification: Uncertain significance. Last evaluated: 2024-06-02. Review status: criteria provided, single submitter. Criteria: GeneDx Variant Classification Process June 2021. Collection method: clinical testing. Allele origin: germline. Affected: yes.
Comment: Not observed at significant frequency in large population cohorts (gnomAD); In silico analysis indicates that this missense variant does not alter protein structure/function; Has not been previously published as pathogenic or benign to our knowledge